The following is an entry in ClinVar:

NM_017866.5(TMEM70):c.-264C>A

Genes: TMEM70 (transmembrane protein 70; plus strand), LOC130000613 (ATAC-STARR-seq lymphoblastoid silent region 19296; plus strand). Cytogenetic location: 8q21.11.
Variant type: single nucleotide variant.
Coding change: c.-264C>A on transcript NM_017866.5; 264 bases upstream of the start codon, C replaced by A.
Genome position (GRCh38, 1-based): chr8:73,976,018, C>A. VCF-style: chr8-73976018-C-A. GRCh37 (hg19) VCF-style: chr8-74888253-C-A.
Identifiers: ClinVar variation 676048 (VCV000676048.4), dbSNP rs141235801, ClinGen allele CA179288092.

ClinVar aggregate classification (germline): Likely benign. Review status: criteria provided, multiple submitters, no conflicts (2 of 4 stars). 2 submissions from 2 submitters: Likely benign (2). Last evaluated 2018-06-14.

Allele frequency attached by ClinVar (database versions not stated): 1000 Genomes Project 30x 0.01608; gnomAD 0.01799 and 0.01735; gnomAD exomes 0.14793; TOPMed 0.01458; 1000 Genomes Project 0.01657.

Submissions (2):

GeneDx
Classification: Likely benign. Last evaluated: 2018-06-14. Review status: criteria provided, single submitter. Criteria: GeneDx Variant Classification (06012015). Collection method: clinical testing. Allele origin: germline. Affected: yes.
Comment: This variant is considered likely benign or benign based on one or more of the following criteria: it is a conservative change, it occurs at a poorly conserved position in the protein, it is predicted to be benign by multiple in silico algorithms, and/or has population frequency not consistent with disease.

Breakthrough Genomics
Classification: Likely benign. Review status: criteria provided, single submitter. Criteria: ACMG Guidelines, 2015. Collection method: not provided. Allele origin: germline. Inheritance: Autosomal recessive inheritance. Affected: yes.